The following is an entry in ClinVar:

ClinVar aggregate classification (germline): Uncertain significance. Review status: criteria provided, multiple submitters, no conflicts (2 of 4 stars). 2 submissions from 2 submitters: Uncertain significance (2). Last evaluated 2025-08-10.

Conditions:
Inborn genetic diseases. Identifiers: MedGen C0950123, MeSH D030342.

Allele frequency attached by ClinVar (database versions not stated): ExAC 0.00001; gnomAD 0.00001; gnomAD exomes 0.00001; TOPMed 0.00002; ESP Exome Variant Server 0.00008.

Submissions (2):

Ambry Genetics
Classification: Uncertain significance for Inborn genetic diseases. Last evaluated: 2025-08-10. Review status: criteria provided, single submitter. Criteria: Ambry Variant Classification Scheme 2023. Collection method: clinical testing. Allele origin: germline.

Labcorp Genetics (formerly Invitae), Labcorp
Classification: Uncertain significance. Last evaluated: 2022-06-22. Review status: criteria provided, single submitter. Criteria: Invitae Variant Classification Sherloc (09022015). Collection method: clinical testing. Allele origin: germline.
Comment: This variant has not been reported in the literature in individuals affected with PLOD3-related conditions. This sequence change replaces valine, which is neutral and non-polar, with methionine, which is neutral and non-polar, at codon 610 of the PLOD3 protein (p.Val610Met). This variant is present in population databases (rs367756400, gnomAD 0.01%). Algorithms developed to predict the effect of missense changes on protein structure and function are either unavailable or do not agree on the potential impact of this missense change (SIFT: "Tolerated"; PolyPhen-2: "Possibly Damaging"; Align-GVGD: "Class C0"). In summary, the available evidence is currently insufficient to determine the role of this variant in disease. Therefore, it has been classified as a Variant of Uncertain Significance.

NM_001084.5(PLOD3):c.1828G>A (p.Val610Met)

Gene: PLOD3 (procollagen-lysine,2-oxoglutarate 5-dioxygenase 3; minus strand). Cytogenetic location: 7q22.1.
Variant type: single nucleotide variant.
Coding change: c.1828G>A on transcript NM_001084.5 (MANE Select); coding-DNA position 1828, G replaced by A.
Protein change: p.Val610Met; replaces valine 610 with methionine.
Molecular consequence: missense variant.
Genome position (GRCh38, 1-based): chr7:101,207,685, C>T on the plus strand (G>A on the coding strand, the complement: PLOD3 is on the minus strand). VCF-style: chr7-101207685-C-T. GRCh37 (hg19) VCF-style: chr7-100850966-C-T.
Other names: c.1828G>A (NM_001084.4); short protein forms V610M.
Identifiers: ClinVar variation 1921833 (VCV001921833.5), dbSNP rs367756400, ClinGen allele CA4407501.
Genomic context (GRCh38, chr7:101,207,685, plus strand): 5'-ACGTCCGCAGCAGCTGCAGCCACTGGTCCTCGTACCCCACCTGCTTCATGTGGATGTCCA[C>T]GGTGGGCACATTCTCGTAGCCTCCAGCCAGCCTTGAATCCTGGGGGCGGCGGGCACTGAG-3'
Protein context (NP_001075.1, residues 600-620): LAGGYENVPT[Val610Met]DIHMKQVGYE